The following is an entry in ClinVar:

NM_002894.3(RBBP8):c.845T>A (p.Leu282His)

Gene: RBBP8 (RB binding protein 8, endonuclease; plus strand). Cytogenetic location: 18q11.2.
Variant type: single nucleotide variant.
Coding change: c.845T>A on transcript NM_002894.3 (MANE Select); coding-DNA position 845, T replaced by A.
Protein change: p.Leu282His; replaces leucine 282 with histidine.
Molecular consequence: missense variant.
Genome position (GRCh38, 1-based): chr18:22,990,974, T>A. VCF-style: chr18-22990974-T-A. GRCh37 (hg19) VCF-style: chr18-20570937-T-A.
Other names: c.845T>A, p.Leu282His (NM_203291.2, NM_203292.2); short protein forms L282H.
Identifiers: ClinVar variation 1714579 (VCV001714579.5), dbSNP rs760170804, ClinGen allele CA8909958.

ClinVar aggregate classification (germline): Uncertain significance (1 of 4 stars; one submission).

Allele frequency attached by ClinVar (database versions not stated): gnomAD exomes 0.00001; ExAC 0.00002.
gnomAD v4.1: 4 of 1,613,836 alleles (0.00025%); highest among the groups gnomAD compares: South Asian, 0.0044%; no homozygotes.

Submission:

Labcorp Genetics (formerly Invitae), Labcorp
Classification: Uncertain significance. Last evaluated: 2022-07-30. Review status: criteria provided, single submitter. Criteria: Invitae Variant Classification Sherloc (09022015). Collection method: clinical testing. Allele origin: germline.
Comment: In summary, the available evidence is currently insufficient to determine the role of this variant in disease. Therefore, it has been classified as a Variant of Uncertain Significance. Algorithms developed to predict the effect of missense changes on protein structure and function are either unavailable or do not agree on the potential impact of this missense change (SIFT: "Deleterious"; PolyPhen-2: "Probably Damaging"; Align-GVGD: "Class C0"). This variant has not been reported in the literature in individuals affected with RBBP8-related conditions. This variant is present in population databases (rs760170804, gnomAD 0.01%). This sequence change replaces leucine, which is neutral and non-polar, with histidine, which is basic and polar, at codon 282 of the RBBP8 protein (p.Leu282His).